The following is an entry in ClinVar:

NM_016203.4(PRKAG2):c.755-1G>A

Gene: PRKAG2 (protein kinase AMP-activated non-catalytic subunit gamma 2; minus strand). Cytogenetic location: 7q36.1.
Variant type: single nucleotide variant.
Coding change: c.755-1G>A on transcript NM_016203.4 (MANE Select); the canonical splice acceptor site of the intron before coding-DNA position 755, G replaced by A.
Molecular consequence: splice acceptor variant. On other transcripts: intron variant (12).
Genome position (GRCh38, 1-based): chr7:151,595,455, C>T on the plus strand (G>A on the coding strand, the complement: PRKAG2 is on the minus strand). VCF-style: chr7-151595455-C-T. GRCh37 (hg19) VCF-style: chr7-151292541-C-T.
Other names: c.755-1G>A (NM_016203.3, NM_001407021.1); c.467-4G>A (NM_001407031.1); c.467-1G>A (NM_001407030.1); c.755-4G>A (NM_001407023.1, NM_001407022.1); c.437-1G>A (NM_001407032.1); c.623-4G>A (NM_001407026.1, NM_001407027.1); c.623-1G>A (NM_001040633.2, NM_001407024.1); c.431-1G>A (NM_001407033.1); and 6 more.
Identifiers: ClinVar variation 1005333 (VCV001005333.10), dbSNP rs778614872, ClinGen allele CA058324.

ClinVar aggregate classification (germline): Uncertain significance. Review status: criteria provided, multiple submitters, no conflicts (2 of 4 stars). 4 submissions from 4 submitters: Uncertain significance (4). Last evaluated 2024-10-30.

Conditions:
Cardiovascular phenotype. Identifiers: MedGen CN230736.
Cardiomyopathy (CMYO). Also called: Cardiomyopathies. Identifiers: Orphanet 167848, MedGen C0878544, MONDO:0004994, HP:0001638. Inheritance: Various modes of inheritance.
Hypertrophic cardiomyopathy. Also called: HYPERTROPHIC MYOCARDIOPATHY. Identifiers: Orphanet 217569, MedGen C0007194, MeSH D002312, MONDO:0005045, HP:0001639.
Lethal congenital glycogen storage disease of heart. Also called: GLYCOGEN STORAGE DISEASE OF HEART; PHOSPHORYLASE KINASE DEFICIENCY OF HEART. Identifiers: Orphanet 439854, MedGen C1849813, MONDO:0009867, OMIM 261740.

Allele frequency attached by ClinVar (database versions not stated): ExAC 0.00001; gnomAD exomes 0.00001.
gnomAD v4.1: 5 of 1,610,432 alleles (0.00031%); highest among the groups gnomAD compares: Admixed American, 0.0083%; no homozygotes.

Submissions (4):

Labcorp Genetics (formerly Invitae), Labcorp
Classification: Uncertain significance for Lethal congenital glycogen storage disease of heart. Last evaluated: 2024-10-30. Review status: criteria provided, single submitter. Criteria: Invitae Variant Classification Sherloc (09022015). Collection method: clinical testing. Allele origin: germline.
Comment: This sequence change affects an acceptor splice site in intron 5 of the PRKAG2 gene. It is expected to disrupt RNA splicing. Variants that disrupt the donor or acceptor splice site typically lead to a loss of protein function (PMID: 16199547), however the current clinical and genetic evidence is not sufficient to establish whether loss-of-function variants in PRKAG2 cause disease. This variant is present in population databases (rs778614872, gnomAD 0.009%). This variant has not been reported in the literature in individuals affected with PRKAG2-related conditions. ClinVar contains an entry for this variant (Variation ID: 1005333). Algorithms developed to predict the effect of sequence changes on RNA splicing suggest that this variant may disrupt the consensus splice site. In summary, the available evidence is currently insufficient to determine the role of this variant in disease. Therefore, it has been classified as a Variant of Uncertain Significance.

Color Diagnostics, LLC DBA Color Health
Classification: Uncertain significance for Cardiomyopathy. Last evaluated: 2024-05-22. Review status: criteria provided, single submitter. Criteria: ACMG Guidelines, 2015. Collection method: clinical testing. Allele origin: germline.
Comment: This variant causes a G>A nucleotide substitution at the -1 position of intron 5 of the PRKAG2 gene. Splice site prediction tools suggest that this variant may have a significant impact on RNA splicing. Although this prediction has not been confirmed in published RNA studies, this variant is expected to result in an absent or disrupted protein product. This variant has not been reported in individuals affected with PRKAG2-related disorders in the literature. This variant has been identified in 3/250980 chromosomes in the general population by the Genome Aggregation Database (gnomAD). Clinical relevance of loss-of-function PRKAG2 truncation and splice variants in autosomal dominant cardiovascular disorders is not clearly established. The available evidence is insufficient to determine the role of this variant in disease conclusively. Therefore, this variant is classified as a Variant of Uncertain Significance.

All of Us Research Program, National Institutes of Health
Classification: Uncertain significance for Hypertrophic cardiomyopathy. Last evaluated: 2024-03-05. Review status: criteria provided, single submitter. Criteria: ACMG Guidelines, 2015. Collection method: clinical testing. Allele origin: germline. Inheritance: Autosomal dominant inheritance. Observed: 1 variant allele, 1 heterozygote.
Comment: This study involves interpretation of variants in research participants for the purpose of population health screening. Participant phenotype was not available at the time of variant classification. Additional details can be found in publication PMID: 35346344, PMCID: PMC8962531

Ambry Genetics
Classification: Uncertain significance for Cardiovascular phenotype. Last evaluated: 2024-02-01. Review status: criteria provided, single submitter. Criteria: Ambry Variant Classification Scheme 2023. Collection method: clinical testing. Allele origin: germline.
Comment: The c.755-1G>A intronic variant results from a G to A substitution one nucleotide before coding exon 6 of the PRKAG2 gene. This nucleotide position is well conserved in available vertebrate species. In silico splice site analysis predicts that this alteration will weaken the native splice acceptor site and will result in the creation or strengthening of a novel splice acceptor site. Alterations that disrupt the canonical splice site are expected to cause aberrant splicing, resulting in an abnormal protein or a transcript that is subject to nonsense-mediated mRNA decay. However, loss of function of PRKAG2 has not been established as a mechanism of disease. Based on the available evidence, the clinical significance of this alteration remains unclear.

Literature cited by the submitters: PubMed 16199547 (cited by Labcorp Genetics (formerly Invitae), Labcorp).